The following is an entry in ClinVar:

ClinVar aggregate classification (germline): Uncertain significance (1 of 4 stars; one submission).

Submission:

Labcorp Genetics (formerly Invitae), Labcorp
Classification: Uncertain significance. Last evaluated: 2020-11-26. Review status: criteria provided, single submitter. Criteria: Invitae Variant Classification Sherloc (09022015). Collection method: clinical testing. Allele origin: germline.
Comment: This variant has not been reported in the literature in individuals with VCAN-related conditions. This variant is not present in population databases (ExAC no frequency). This sequence change replaces arginine with proline at codon 3386 of the VCAN protein (p.Arg3386Pro). The arginine residue is highly conserved and there is a moderate physicochemical difference between arginine and proline. Algorithms developed to predict the effect of missense changes on protein structure and function are either unavailable or do not agree on the potential impact of this missense change (SIFT: "Deleterious"; PolyPhen-2: "Possibly Damaging"; Align-GVGD: "Class C0"). In summary, the available evidence is currently insufficient to determine the role of this variant in disease. Therefore, it has been classified as a Variant of Uncertain Significance.

NM_004385.5(VCAN):c.10157G>C (p.Arg3386Pro)

Gene: VCAN (versican; plus strand). Cytogenetic location: 5q14.3.
Variant type: single nucleotide variant.
Coding change: c.10157G>C on transcript NM_004385.5 (MANE Select); coding-DNA position 10157, G replaced by C.
Protein change: p.Arg3386Pro; replaces arginine 3386 with proline.
Molecular consequence: missense variant.
Genome position (GRCh38, 1-based): chr5:83,580,400, G>C. VCF-style: chr5-83580400-G-C. GRCh37 (hg19) VCF-style: chr5-82876219-G-C.
Other names: c.1934G>C, p.Arg645Pro (NM_001126336.3); c.7196G>C, p.Arg2399Pro (NM_001164097.2); c.4895G>C, p.Arg1632Pro (NM_001164098.2); short protein forms R1632P, R3386P, R645P, R2399P.
Identifiers: ClinVar variation 1393210 (VCV001393210.8), dbSNP rs370521277, ClinGen allele CA360302639.